The following is an entry in ClinVar:

ClinVar aggregate classification (germline): Uncertain significance (1 of 4 stars; one submission).

Conditions:
Neuropathy, hereditary sensory, type 2C. Also called: KIF1A-Related HSAN2 (HSAN2C); Hereditary sensory and autonomic neuropathy type IIC. Identifiers: Orphanet 970, MedGen C3280168, MONDO:0013634, OMIM 614213.
Hereditary spastic paraplegia 30. Identifiers: Orphanet 101010, MedGen C5235139, MONDO:0012476.
Intellectual disability, autosomal dominant 9 (NESCAVS). Also called: KIF1A-Related Neurodevelopmental Disorder; NESCAV SYNDROME. Identifiers: Orphanet 662367, MedGen C5393830, MONDO:0013656, OMIM 614255.

gnomAD v4.1: 2 of 1,571,188 alleles (0.00013%); highest among the groups gnomAD compares: South Asian, 0.0012%; no homozygotes.

Submission:

Labcorp Genetics (formerly Invitae), Labcorp
Classification: Uncertain significance for Hereditary spastic paraplegia 30; Neuropathy, hereditary sensory, type 2C; Intellectual disability, autosomal dominant 9. Last evaluated: 2025-01-28. Review status: criteria provided, single submitter. Criteria: Invitae Variant Classification Sherloc (09022015). Collection method: clinical testing. Allele origin: germline.
Comment: This sequence change replaces glycine, which is neutral and non-polar, with glutamic acid, which is acidic and polar, at codon 935 of the KIF1A protein (p.Gly935Glu). The frequency data for this variant in the population databases is considered unreliable, as metrics indicate poor data quality at this position in the gnomAD database. This variant has not been reported in the literature in individuals affected with KIF1A-related conditions. Invitae Evidence Modeling of protein sequence and biophysical properties (such as structural, functional, and spatial information, amino acid conservation, physicochemical variation, residue mobility, and thermodynamic stability) has been performed for this missense variant. However, the output from this modeling did not meet the statistical confidence thresholds required to predict the impact of this variant on KIF1A protein function. In summary, the available evidence is currently insufficient to determine the role of this variant in disease. Therefore, it has been classified as a Variant of Uncertain Significance.

NM_001244008.2(KIF1A):c.3107G>A (p.Gly1036Glu)

Gene: KIF1A (kinesin family member 1A; minus strand). Cytogenetic location: 2q37.3.
Variant type: single nucleotide variant.
Coding change: c.3107G>A on transcript NM_001244008.2 (MANE Select); coding-DNA position 3107, G replaced by A.
Protein change: p.Gly1036Glu; replaces glycine 1036 with glutamic acid.
Molecular consequence: missense variant.
Genome position (GRCh38, 1-based): chr2:240,746,134, C>T on the plus strand (G>A on the coding strand, the complement: KIF1A is on the minus strand). VCF-style: chr2-240746134-C-T. GRCh37 (hg19) VCF-style: chr2-241685551-C-T.
Other names: c.2831G>A, p.Gly944Glu (NM_001320705.2, NM_001330289.2, NM_001379638.1); c.2906G>A, p.Gly969Glu (NM_001330290.2, NM_001379634.1, NM_001379635.1 and 1 more transcripts); c.3182G>A, p.Gly1061Glu (NM_001379631.1); c.3056G>A, p.Gly1019Glu (NM_001379632.1); c.3080G>A, p.Gly1027Glu (NM_001379633.1, NM_001379642.1, NM_001379645.1); c.2804G>A, p.Gly935Glu (NM_001379636.1, NM_001379639.1, NM_001379640.1 and 6 more transcripts); c.2879G>A, p.Gly960Glu (NM_001379637.1, NM_001379648.1); short protein forms G1019E, G1027E, G1036E, G1061E, G935E, G944E, G960E, G969E.
Identifiers: ClinVar variation 3753703 (VCV003753703.2).